The following is an entry in ClinVar:

ClinVar aggregate classification (germline): Uncertain significance. Review status: criteria provided, multiple submitters, no conflicts (2 of 4 stars). 2 submissions from 2 submitters: Uncertain significance (2). Last evaluated 2024-10-31.

Conditions:
Epileptic encephalopathy. Identifiers: MedGen C0543888, HP:0200134.

Allele frequency attached by ClinVar (database versions not stated): gnomAD 0.00001; ExAC 0.00002; TOPMed 0.00002; gnomAD exomes 0.00003.
gnomAD v4.1: 44 of 1,612,516 alleles (0.0027%); highest among the groups gnomAD compares: East Asian, 0.0045%; no homozygotes.

Submissions (2):

Labcorp Genetics (formerly Invitae), Labcorp
Classification: Uncertain significance for Epileptic encephalopathy. Last evaluated: 2024-10-31. Review status: criteria provided, single submitter. Criteria: Invitae Variant Classification Sherloc (09022015). Collection method: clinical testing. Allele origin: germline.
Comment: This sequence change replaces proline, which is neutral and non-polar, with serine, which is neutral and polar, at codon 1440 of the FASN protein (p.Pro1440Ser). This variant is present in population databases (rs769869660, gnomAD 0.06%). This variant has not been reported in the literature in individuals affected with FASN-related conditions. ClinVar contains an entry for this variant (Variation ID: 2359982). An algorithm developed to predict the effect of missense changes on protein structure and function (PolyPhen-2) suggests that this variant is likely to be tolerated. In summary, the available evidence is currently insufficient to determine the role of this variant in disease. Therefore, it has been classified as a Variant of Uncertain Significance.

Ambry Genetics
Classification: Uncertain significance. Last evaluated: 2022-04-07. Review status: criteria provided, single submitter. Criteria: Ambry Variant Classification Scheme 2023. Collection method: clinical testing. Allele origin: germline.

NM_004104.5(FASN):c.4318C>T (p.Pro1440Ser)

Gene: FASN (fatty acid synthase; minus strand). Cytogenetic location: 17q25.3.
Variant type: single nucleotide variant.
Coding change: c.4318C>T on transcript NM_004104.5 (MANE Select); coding-DNA position 4318, C replaced by T.
Protein change: p.Pro1440Ser; replaces proline 1440 with serine.
Molecular consequence: missense variant.
Genome position (GRCh38, 1-based): chr17:82,085,126, G>A on the plus strand (C>T on the coding strand, the complement: FASN is on the minus strand). VCF-style: chr17-82085126-G-A. GRCh37 (hg19) VCF-style: chr17-80043002-G-A.
Other names: short protein forms P1440S.
Identifiers: ClinVar variation 2359982 (VCV002359982.5), dbSNP rs769869660, ClinGen allele CA8852088.